The following is an entry in ClinVar:

ClinVar aggregate classification (germline): Uncertain significance. Review status: criteria provided, multiple submitters, no conflicts (2 of 4 stars). 3 submissions from 3 submitters: Uncertain significance (3). Last evaluated 2026-04-24.

Conditions:
Progressive sclerosing poliodystrophy (MTDPS4A). Also called: ALPERS PROGRESSIVE INFANTILE POLIODYSTROPHY; Alpers Syndrome; ALPERS DIFFUSE DEGENERATION OF CEREBRAL GRAY MATTER WITH HEPATIC CIRRHOSIS; Alpers-Huttenlocher Syndrome; Alpers-Huttenlocher Syndrome (AHS); NEURONAL DEGENERATION OF CHILDHOOD WITH LIVER DISEASE, PROGRESSIVE. Identifiers: Orphanet 726, MedGen C0205710, MONDO:0008758, OMIM 203700.

Allele frequency attached by ClinVar (database versions not stated): TOPMed 0.00002; gnomAD 0.00001.

Submissions (3):

GeneDx
Classification: Uncertain significance. Last evaluated: 2026-04-24. Review status: criteria provided, single submitter. Criteria: GeneDx Variant Classification Process June 2021. Collection method: clinical testing. Allele origin: germline.
Comment: Not observed at significant frequency in large population cohorts (gnomAD); In silico analysis suggests that this missense variant does not alter protein structure/function; Has not been previously published as pathogenic or benign to our knowledge

Labcorp Genetics (formerly Invitae), Labcorp
Classification: Uncertain significance for Progressive sclerosing poliodystrophy. Last evaluated: 2024-09-19. Review status: criteria provided, single submitter. Criteria: Invitae Variant Classification Sherloc (09022015). Collection method: clinical testing. Allele origin: germline.
Comment: This sequence change replaces leucine, which is neutral and non-polar, with methionine, which is neutral and non-polar, at codon 1025 of the POLG protein (p.Leu1025Met). This variant is present in population databases (no rsID available, gnomAD 0.01%). This variant has not been reported in the literature in individuals affected with POLG-related conditions. ClinVar contains an entry for this variant (Variation ID: 586358). Invitae Evidence Modeling of protein sequence and biophysical properties (such as structural, functional, and spatial information, amino acid conservation, physicochemical variation, residue mobility, and thermodynamic stability) has been performed for this missense variant. However, the output from this modeling did not meet the statistical confidence thresholds required to predict the impact of this variant on POLG protein function. In summary, the available evidence is currently insufficient to determine the role of this variant in disease. Therefore, it has been classified as a Variant of Uncertain Significance.

Athena Diagnostics
Classification: Uncertain significance. Last evaluated: 2018-06-04. Review status: criteria provided, single submitter. Criteria: Athena Diagnostics Criteria. Collection method: clinical testing. Allele origin: germline.

NM_002693.3(POLG):c.3073C>A (p.Leu1025Met)

Gene: POLG (DNA polymerase gamma, catalytic subunit; minus strand). Cytogenetic location: 15q26.1.
Variant type: single nucleotide variant.
Coding change: c.3073C>A on transcript NM_002693.3 (MANE Select); coding-DNA position 3073, C replaced by A.
Protein change: p.Leu1025Met; replaces leucine 1025 with methionine.
Molecular consequence: missense variant.
Genome position (GRCh38, 1-based): chr15:89,319,259, G>T on the plus strand (C>A on the coding strand, the complement: POLG is on the minus strand). VCF-style: chr15-89319259-G-T. GRCh37 (hg19) VCF-style: chr15-89862490-G-T.
Other names: c.3073C>A, p.Leu1025Met (NM_001126131.2); short protein forms L1025M.
Identifiers: ClinVar variation 586358 (VCV000586358.4), dbSNP rs1421324049, ClinGen allele CA393751310.
Genomic context (GRCh38, chr15:89,319,259, plus strand): 5'-TCCATCCTTAACACAAAGAAGGTTCTTACTTCCTTGCAGTTTCTCTCTGGACCTTGCGCA[G>T]ATCCTGCAGGGAAATCCAGCCACCCTCAGTCCTGTCCACTGGGAGGTTCAACTCCCTCAC-3'
Protein context (NP_002684.1, residues 1015-1035): TEGGWISLQD[Leu1025Met]RKVQRETARK